The following is an entry in ClinVar:

NM_001282531.3(ADNP):c.3110A>C (p.Glu1037Ala)

Gene: ADNP (activity dependent neuroprotector homeobox; minus strand). Cytogenetic location: 20q13.13.
Variant type: single nucleotide variant.
Coding change: c.3110A>C on transcript NM_001282531.3 (MANE Select); coding-DNA position 3110, A replaced by C.
Protein change: p.Glu1037Ala; replaces glutamic acid 1037 with alanine.
Molecular consequence: missense variant.
Genome position (GRCh38, 1-based): chr20:50,891,604, T>G on the plus strand (A>C on the coding strand, the complement: ADNP is on the minus strand). VCF-style: chr20-50891604-T-G. GRCh37 (hg19) VCF-style: chr20-49508141-T-G.
Other names: c.3110A>C, p.Glu1037Ala (NM_001282532.2, NM_001347511.2, NM_015339.5 and 1 more transcripts); short protein forms E1037A.
Identifiers: ClinVar variation 1805952 (VCV001805952.1), dbSNP rs1455902794, ClinGen allele CA408967075.

ClinVar aggregate classification (germline): Uncertain significance (1 of 4 stars; one submission).

Conditions:
ADNP-related multiple congenital anomalies - intellectual disability - autism spectrum disorder. Also called: Helsmoortel-Van der Aa Syndrome; ADNP-Related Helsmoortel-Van der Aa Syndrome. Identifiers: Orphanet 404448, MedGen C4014538, MONDO:0014379, OMIM 615873. Disease mechanism: loss of function.

Allele frequency attached by ClinVar (database versions not stated): gnomAD exomes below 0.00001.
gnomAD v4.1: 1 of 1,613,898 alleles (0.000062%); highest among the groups gnomAD compares: East Asian, 0.0022%; no homozygotes.

Submission:

Victorian Clinical Genetics Services, Murdoch Childrens Research Institute
Classification: Uncertain significance for ADNP-related multiple congenital anomalies - intellectual disability - autism spectrum disorder. Last evaluated: 2022-09-02. Review status: criteria provided, single submitter. Criteria: ACMG Guidelines, 2015. Collection method: clinical testing. Allele origin: germline. Inheritance: Autosomal dominant inheritance. Affected: yes.
Comment: Based on the classification scheme VCGS_Germline_v1.3.4, this variant is classified as VUS-3B. Following criteria are met: 0102 - Loss of function is a known mechanism of disease in this gene and is associated with Helsmoortel-van der Aa syndrome (MIM#615873). (I) 0107 - This gene is associated with autosomal dominant disease. (I) 0200 - Variant is predicted to result in a missense amino acid change from glutamic acid to alanine. (I) 0251 - This variant is heterozygous. (I) 0302 - Variant is present in gnomAD (v2) <0.001 for a dominant condition (1 heterozygote, 0 homozygotes). (SP) 0501 - Missense variant consistently predicted to be benign by multiple in silico tools, but highly conserved with a major amino acid change. (SP) 0604 - Variant is not located in an established domain, motif, hotspot or informative constraint region. (I) 0705 - No comparable missense variants have previous evidence for pathogenicity. (I) 0807 - This variant has no previous evidence of pathogenicity. (I) 0905 - No published segregation evidence has been identified for this variant. (I) 1007 - No published functional evidence has been identified for this variant. (I) 1208 - Inheritance information for this variant is not currently available in this individual. (I) Legend: (SP) - Supporting pathogenic, (I) - Information, (SB) - Supporting benign